The following is an entry in ClinVar:

ClinVar aggregate classification (germline): Uncertain significance (1 of 4 stars; one submission).

gnomAD v4.1: 1 of 1,566,718 alleles (0.000064%); highest among the groups gnomAD compares: South Asian, 0.0011%; no homozygotes.

Submission:

GeneDx
Classification: Uncertain significance. Last evaluated: 2024-12-16. Review status: criteria provided, single submitter. Criteria: GeneDx Variant Classification Process June 2021. Collection method: clinical testing. Allele origin: germline. Affected: yes.
Comment: Not observed at significant frequency in large population cohorts (gnomAD); In silico analysis supports that this missense variant has a deleterious effect on protein structure/function; Has not been previously published as pathogenic or benign to our knowledge; Located in one of the three hot-spot regions of the RYR2 gene, where the majority of pathogenic missense variants occur (PMID: 19926015); This variant is associated with the following publications: (PMID: 19926015)

NM_001035.3(RYR2):c.14794G>A (p.Glu4932Lys)

Gene: RYR2 (ryanodine receptor 2; plus strand). Cytogenetic location: 1q43.
Variant type: single nucleotide variant.
Coding change: c.14794G>A on transcript NM_001035.3 (MANE Select); coding-DNA position 14794, G replaced by A.
Protein change: p.Glu4932Lys; replaces glutamic acid 4932 with lysine.
Molecular consequence: missense variant.
Genome position (GRCh38, 1-based): chr1:237,831,551, G>A. VCF-style: chr1-237831551-G-A. GRCh37 (hg19) VCF-style: chr1-237994851-G-A.
Other names: short protein forms E4932K.
Identifiers: ClinVar variation 3903183 (VCV003903183.1).